The following is an entry in ClinVar:

NM_006397.3(RNASEH2A):c.874G>A (p.Gly292Ser)

Gene: RNASEH2A (ribonuclease H2 subunit A; plus strand). Cytogenetic location: 19p13.13.
Variant type: single nucleotide variant.
Coding change: c.874G>A on transcript NM_006397.3 (MANE Select); coding-DNA position 874, G replaced by A.
Protein change: p.Gly292Ser; replaces glycine 292 with serine.
Molecular consequence: missense variant.
Genome position (GRCh38, 1-based): chr19:12,813,440, G>A. VCF-style: chr19-12813440-G-A. GRCh37 (hg19) VCF-style: chr19-12924254-G-A.
Other names: short protein forms G292S.
Identifiers: ClinVar variation 586406 (VCV000586406.10), dbSNP rs768346345, ClinGen allele CA9232068.

ClinVar aggregate classification (germline): Uncertain significance. Review status: criteria provided, multiple submitters, no conflicts (2 of 4 stars). 4 submissions from 4 submitters: Uncertain significance (4). Last evaluated 2023-12-28.

Conditions:
Inborn genetic diseases. Identifiers: MedGen C0950123, MeSH D030342.
Aicardi-Goutieres syndrome 4. Identifiers: Orphanet 51, MedGen C1835912, MONDO:0012472, OMIM 610333.

Allele frequency attached by ClinVar (database versions not stated): ExAC 0.00002; gnomAD exomes 0.00002; gnomAD 0.00003 and 0.00004; TOPMed 0.00004.
gnomAD v4.1: 64 of 1,613,698 alleles (0.004%); highest among the groups gnomAD compares: East Asian, 0.011%; no homozygotes.

Submissions (4):

Ambry Genetics
Classification: Uncertain significance for Inborn genetic diseases. Last evaluated: 2023-12-28. Review status: criteria provided, single submitter. Criteria: Ambry Variant Classification Scheme 2023. Collection method: clinical testing. Allele origin: germline.

Labcorp Genetics (formerly Invitae), Labcorp
Classification: Uncertain significance for Aicardi-Goutieres syndrome 4. Last evaluated: 2022-11-01. Review status: criteria provided, single submitter. Criteria: Invitae Variant Classification Sherloc (09022015). Collection method: clinical testing. Allele origin: germline.
Comment: This sequence change replaces glycine, which is neutral and non-polar, with serine, which is neutral and polar, at codon 292 of the RNASEH2A protein (p.Gly292Ser). This variant is present in population databases (rs768346345, gnomAD 0.009%). This variant has not been reported in the literature in individuals affected with RNASEH2A-related conditions. ClinVar contains an entry for this variant (Variation ID: 586406). Algorithms developed to predict the effect of missense changes on protein structure and function output the following: SIFT: "Tolerated"; PolyPhen-2: "Benign"; Align-GVGD: "Class C0". The serine amino acid residue is found in multiple mammalian species, which suggests that this missense change does not adversely affect protein function. In summary, the available evidence is currently insufficient to determine the role of this variant in disease. Therefore, it has been classified as a Variant of Uncertain Significance.

Fulgent Genetics
Classification: Uncertain significance for Aicardi-Goutieres syndrome 4. Last evaluated: 2018-10-31. Review status: criteria provided, single submitter. Criteria: ACMG Guidelines, 2015. Collection method: clinical testing. Allele origin: unknown.

Athena Diagnostics
Classification: Uncertain significance. Last evaluated: 2018-02-16. Review status: criteria provided, single submitter. Criteria: Athena Diagnostics Criteria. Collection method: clinical testing. Allele origin: germline.